The following is an entry in ClinVar:

NM_001160148.2(DDHD1):c.688_689delinsAT (p.Asp230Ile)

Gene: DDHD1 (DDHD domain containing 1; minus strand). Cytogenetic location: 14q22.1.
Variant type: Indel.
Coding change: c.688_689delinsAT on transcript NM_001160148.2 (MANE Select); coding-DNA positions 688 to 689, GA replaced by AT.
Protein change: p.Asp230Ile; replaces aspartic acid 230 with isoleucine.
Molecular consequence: missense variant.
Genome position (GRCh38, 1-based): chr14:53,152,410-53,152,411, TC replaced by AT on the plus strand (GA replaced by AT on the coding strand, the reverse complement: DDHD1 is on the minus strand). VCF-style: chr14-53152410-TC-AT. GRCh37 (hg19) VCF-style: chr14-53619128-TC-AT.
Other names: c.688_689delinsAT, p.Asp230Ile (NM_001160147.2, NM_030637.3); short protein forms D230I.
Identifiers: ClinVar variation 843923 (VCV000843923.5), dbSNP rs1891474773, ClinGen allele CA916083370.

ClinVar aggregate classification (germline): Uncertain significance (1 of 4 stars; one submission).

Conditions:
Hereditary spastic paraplegia 28. Also called: Spastic paraplegia 28, autosomal recessive. Identifiers: Orphanet 101008, MedGen C1836295, MONDO:0012256, OMIM 609340.

Submission:

Labcorp Genetics (formerly Invitae), Labcorp
Classification: Uncertain significance for Hereditary spastic paraplegia 28. Last evaluated: 2022-05-30. Review status: criteria provided, single submitter. Criteria: Invitae Variant Classification Sherloc (09022015). Collection method: clinical testing. Allele origin: germline.
Comment: This sequence change replaces aspartic acid, which is acidic and polar, with isoleucine, which is neutral and non-polar, at codon 230 of the DDHD1 protein (p.Asp230Ile). This variant is present in population databases (no rsID available, gnomAD 0.8%). This variant has not been reported in the literature in individuals affected with DDHD1-related conditions. ClinVar contains an entry for this variant (Variation ID: 843923). Algorithms developed to predict the effect of missense changes on protein structure and function are either unavailable or do not agree on the potential impact of this missense change (SIFT: "Not Available"; PolyPhen-2: "Benign"; Align-GVGD: "Not Available"). In summary, the available evidence is currently insufficient to determine the role of this variant in disease. Therefore, it has been classified as a Variant of Uncertain Significance.